The following is an entry in ClinVar:

ClinVar aggregate classification (germline): Likely benign. Review status: criteria provided, single submitter (1 of 4 stars). 2 submissions from 2 submitters: Likely benign (1). 1 of the submissions does not count toward it. Last evaluated 2022-12-21.

Conditions:
LIPN-related disorder. Also called: LIPN-related condition.

Allele frequency attached by ClinVar (database versions not stated): 1000 Genomes Project 30x 0.00016; gnomAD 0.00017; 1000 Genomes Project 0.00020.
gnomAD v4.1: 51 of 1,611,652 alleles (0.0032%); highest among the groups gnomAD compares: African/African-American, 0.056%; no homozygotes.

Submissions (2):

Labcorp Genetics (formerly Invitae), Labcorp
Classification: Likely benign. Last evaluated: 2022-12-21. Review status: criteria provided, single submitter. Criteria: Invitae Variant Classification Sherloc (09022015). Collection method: clinical testing. Allele origin: germline.

PreventionGenetics, part of Exact Sciences
Classification: Likely benign for LIPN-related condition. Last evaluated: 2024-01-24. Review status: no assertion criteria provided. Collection method: clinical testing. Allele origin: germline. Not counted in ClinVar's aggregate classification.
Comment: This variant is classified as likely benign based on ACMG/AMP sequence variant interpretation guidelines (Richards et al. 2015 PMID: 25741868, with internal and published modifications).

NM_001102469.2(LIPN):c.358C>A (p.Arg120=)

Gene: LIPN (lipase family member N; plus strand). Cytogenetic location: 10q23.31.
Variant type: single nucleotide variant.
Coding change: c.358C>A on transcript NM_001102469.2 (MANE Select); coding-DNA position 358, C replaced by A.
Protein change: p.Arg120=; no amino-acid change (arginine 120 retained).
Molecular consequence: synonymous variant.
Genome position (GRCh38, 1-based): chr10:88,764,541, C>A. VCF-style: chr10-88764541-C-A. GRCh37 (hg19) VCF-style: chr10-90524298-C-A.
Other names: c.358C>A (NM_001102469.1).
Identifiers: ClinVar variation 2702967 (VCV002702967.5), dbSNP rs200069492, ClinGen allele CA5591840.